The following is an entry in ClinVar:

NM_000548.5(TSC2):c.3062A>T (p.Glu1021Val)

Gene: TSC2 (TSC complex subunit 2; plus strand). Cytogenetic location: 16p13.3.
Variant type: single nucleotide variant.
Coding change: c.3062A>T on transcript NM_000548.5 (MANE Select); coding-DNA position 3062, A replaced by T.
Protein change: p.Glu1021Val; replaces glutamic acid 1021 with valine.
Molecular consequence: missense variant. On other transcripts: non-coding transcript variant (5).
Genome position (GRCh38, 1-based): chr16:2,079,127, A>T. VCF-style: chr16-2079127-A-T. GRCh37 (hg19) VCF-style: chr16-2129128-A-T.
Other names: c.2930A>T, p.Glu977Val (NM_001077183.3, NM_001370404.1, NM_001406665.1); c.3062A>T, p.Glu1021Val (NM_001114382.3); c.2822A>T, p.Glu941Val (NM_001318827.2); c.2786A>T, p.Glu929Val (NM_001318829.2); c.2330A>T, p.Glu777Val (NM_001318831.2, NM_001406687.1, NM_001406688.1); c.2963A>T, p.Glu988Val (NM_001318832.2); c.2933A>T, p.Glu978Val (NM_001363528.2, NM_001370405.1, NM_021055.3); c.3059A>T, p.Glu1020Val (NM_001406663.1, NM_001406664.1); and 18 more; short protein forms E1008V, E1020V, E443V, E530V, E972V, E984V, E1021V, E529V.
Identifiers: ClinVar variation 3462687 (VCV003462687.1).

ClinVar aggregate classification (germline): Uncertain significance (1 of 4 stars; one submission).

Conditions:
Hereditary cancer-predisposing syndrome. Also called: Tumor predisposition; Neoplastic Syndromes, Hereditary; Hereditary neoplastic syndrome; Hereditary Cancer Syndrome. Identifiers: Orphanet 140162, MedGen C0027672, MeSH D009386, MONDO:0015356.

Submission:

Ambry Genetics
Classification: Uncertain significance for Hereditary cancer-predisposing syndrome. Last evaluated: 2024-11-25. Review status: criteria provided, single submitter. Criteria: Ambry Variant Classification Scheme 2023. Collection method: clinical testing. Allele origin: germline.
Comment: The p.E1021V variant (also known as c.3062A>T), located in coding exon 26 of the TSC2 gene, results from an A to T substitution at nucleotide position 3062. The glutamic acid at codon 1021 is replaced by valine, an amino acid with dissimilar properties. This amino acid position is conserved. In addition, this alteration is predicted to be deleterious by in silico analysis. Based on the available evidence, the clinical significance of this variant remains unclear.